The following is an entry in ClinVar:

ClinVar aggregate classification (germline): Uncertain significance. Review status: criteria provided, multiple submitters, no conflicts (2 of 4 stars). 2 submissions from 2 submitters: Uncertain significance (2). Last evaluated 2023-06-07.

Conditions:
Hereditary cancer-predisposing syndrome. Also called: Neoplastic Syndromes, Hereditary; Hereditary Cancer Syndrome; Tumor predisposition; Hereditary neoplastic syndrome. Identifiers: Orphanet 140162, MedGen C0027672, MeSH D009386, MONDO:0015356.
Hereditary pheochromocytoma and paraganglioma. Also called: Hereditary Paraganglioma-Pheochromocytoma Syndromes; Hereditary paragangliomas and pheochromocytomas; Hereditary pheochromocytoma-paraganglioma. Identifiers: Orphanet 29072, MedGen C4274332, MONDO:0017366.

gnomAD v4.1: 2 of 1,614,130 alleles (0.00012%); highest among the groups gnomAD compares: Non-Finnish European, 0.00017%; no homozygotes.

Submissions (2):

Labcorp Genetics (formerly Invitae), Labcorp
Classification: Uncertain significance for Hereditary pheochromocytoma and paraganglioma. Last evaluated: 2023-06-07. Review status: criteria provided, single submitter. Criteria: Invitae Variant Classification Sherloc (09022015). Collection method: clinical testing. Allele origin: germline.
Comment: In summary, the available evidence is currently insufficient to determine the role of this variant in disease. Therefore, it has been classified as a Variant of Uncertain Significance. An algorithm developed to predict the effect of missense changes on protein structure and function (PolyPhen-2) suggests that this variant is likely to be disruptive. ClinVar contains an entry for this variant (Variation ID: 532523). This variant has not been reported in the literature in individuals affected with SDHAF2-related conditions. This variant is not present in population databases (gnomAD no frequency). This sequence change replaces aspartic acid, which is acidic and polar, with glutamic acid, which is acidic and polar, at codon 46 of the SDHAF2 protein (p.Asp46Glu).

Ambry Genetics
Classification: Uncertain significance for Hereditary cancer-predisposing syndrome. Last evaluated: 2023-04-28. Review status: criteria provided, single submitter. Criteria: Ambry Variant Classification Scheme 2023. Collection method: clinical testing. Allele origin: germline.
Comment: The p.D46E variant (also known as c.138C>G), located in coding exon 2 of the SDHAF2 gene, results from a C to G substitution at nucleotide position 138. The aspartic acid at codon 46 is replaced by glutamic acid, an amino acid with highly similar properties. This amino acid position is conserved. In addition, this alteration is predicted to be tolerated by in silico analysis. Since supporting evidence is limited at this time, the clinical significance of this alteration remains unclear.

NM_017841.4(SDHAF2):c.138C>G (p.Asp46Glu)

Gene: SDHAF2 (succinate dehydrogenase complex assembly factor 2; plus strand). Cytogenetic location: 11q12.2.
Variant type: single nucleotide variant.
Coding change: c.138C>G on transcript NM_017841.4 (MANE Select); coding-DNA position 138, C replaced by G.
Protein change: p.Asp46Glu; replaces aspartic acid 46 with glutamic acid.
Molecular consequence: missense variant.
Genome position (GRCh38, 1-based): chr11:61,437,726, C>G. VCF-style: chr11-61437726-C-G. GRCh37 (hg19) VCF-style: chr11-61205198-C-G.
Other names: short protein forms D46E.
Identifiers: ClinVar variation 532523 (VCV000532523.10), dbSNP rs969049910, ClinGen allele CA380683273.
Genomic context (GRCh38, chr11:61,437,726, plus strand): 5'-CAGTGTGACATCATTCAGACGCTTCTACAGAGGTGACAGCCCAACAGATTCCCAAAAGGA[C>G]ATGATTGAAATCCCTTTGCCTCCATGGCAGGAGAGAACTGATGAATCCATAGAAACCAAA-3'
Protein context (NP_060311.1, residues 36-56): RGDSPTDSQK[Asp46Glu]MIEIPLPPWQ